The following is an entry in ClinVar:

ClinVar aggregate classification (germline): Uncertain significance. Review status: criteria provided, multiple submitters, no conflicts (2 of 4 stars). 2 submissions from 2 submitters: Uncertain significance (2). Last evaluated 2025-05-20.

Conditions:
Inborn genetic diseases. Identifiers: MedGen C0950123, MeSH D030342.

gnomAD v4.1: 4 of 1,613,314 alleles (0.00025%); highest among the groups gnomAD compares: Non-Finnish European, 0.00034%; no homozygotes.

Submissions (2):

Ambry Genetics
Classification: Uncertain significance for Inborn genetic diseases. Last evaluated: 2025-05-20. Review status: criteria provided, single submitter. Criteria: Ambry Variant Classification Scheme 2023. Collection method: clinical testing. Allele origin: germline.

Labcorp Genetics (formerly Invitae), Labcorp
Classification: Uncertain significance. Last evaluated: 2024-12-10. Review status: criteria provided, single submitter. Criteria: Invitae Variant Classification Sherloc (09022015). Collection method: clinical testing. Allele origin: germline.
Comment: This sequence change replaces aspartic acid, which is acidic and polar, with glutamic acid, which is acidic and polar, at codon 520 of the ROBO2 protein (p.Asp520Glu). This variant is present in population databases (no rsID available, gnomAD 0.004%). This variant has not been reported in the literature in individuals affected with ROBO2-related conditions. Invitae Evidence Modeling of protein sequence and biophysical properties (such as structural, functional, and spatial information, amino acid conservation, physicochemical variation, residue mobility, and thermodynamic stability) indicates that this missense variant is not expected to disrupt ROBO2 protein function with a negative predictive value of 95%. In summary, the available evidence is currently insufficient to determine the role of this variant in disease. Therefore, it has been classified as a Variant of Uncertain Significance.

NM_001395656.1(ROBO2):c.1572C>G (p.Asp524Glu)

Gene: ROBO2 (roundabout guidance receptor 2; plus strand). Cytogenetic location: 3p12.3.
Variant type: single nucleotide variant.
Coding change: c.1572C>G on transcript NM_001395656.1 (MANE Select); coding-DNA position 1572, C replaced by G.
Protein change: p.Asp524Glu; replaces aspartic acid 524 with glutamic acid.
Molecular consequence: missense variant. On other transcripts: 5 prime UTR variant (1).
Genome position (GRCh38, 1-based): chr3:77,563,207, C>G. VCF-style: chr3-77563207-C-G. GRCh37 (hg19) VCF-style: chr3-77612358-C-G.
Other names: c.1620C>G, p.Asp540Glu (NM_001378201.1, NM_001378203.1, NM_001378190.1 and 4 more transcripts); c.1572C>G, p.Asp524Glu (NM_001378202.1, NM_001290039.2, NM_001290040.2); c.1629C>G, p.Asp543Glu (NM_001394212.1, NM_001394214.1, NM_001395657.1); c.1641C>G, p.Asp547Glu (NM_001394213.1, NM_001378192.1, NM_001378194.1 and 2 more transcripts); c.1560C>G, p.Asp520Glu (NM_002942.5, NM_001378193.1, NM_001378197.1); c.1560C>G (NM_002942.4); c.1608C>G, p.Asp536Glu (NM_001128929.3); c.-359C>G (NM_001290065.2); short protein forms D520E, D524E, D536E, D540E, D543E, D547E.
Identifiers: ClinVar variation 3628423 (VCV003628423.3).
Genomic context (GRCh38, chr3:77,563,207, plus strand): 5'-TTTCTGTCTGTCCTCTATAGAGTCTGGAGCAACAATCAGTAAAAACTATGATTTAAGTGA[C>G]CTGCCAGGGCCACCATCCAAACCGCAGGTCACTGATGTTACTAAGAACAGTGTCACCTTG-3'
Protein context (NP_001382585.1, residues 514-534): ATISKNYDLS[Asp524Glu]LPGPPSKPQV